The following is an entry in ClinVar:

NM_000921.5(PDE3A):c.1801C>T (p.Pro601Ser)

Gene: PDE3A (phosphodiesterase 3A; plus strand). Cytogenetic location: 12p12.2.
Variant type: single nucleotide variant.
Coding change: c.1801C>T on transcript NM_000921.5 (MANE Select); coding-DNA position 1801, C replaced by T.
Protein change: p.Pro601Ser; replaces proline 601 with serine.
Molecular consequence: missense variant. On other transcripts: intron variant (1).
Genome position (GRCh38, 1-based): chr12:20,633,733, C>T. VCF-style: chr12-20633733-C-T. GRCh37 (hg19) VCF-style: chr12-20786667-C-T.
Other names: c.835C>T, p.Pro279Ser (NM_001244683.2, NM_001378409.1); c.838C>T, p.Pro280Ser (NM_001378408.1); c.1541-1169C>T (NM_001378407.1); short protein forms P279S, P280S, P601S.
Identifiers: ClinVar variation 2637484 (VCV002637484.1), dbSNP rs151312475, ClinGen allele CA6473847.

ClinVar aggregate classification (germline): Uncertain significance (1 of 4 stars; one submission).

gnomAD v4.1: 16 of 1,610,540 alleles (0.00099%); highest among the groups gnomAD compares: Admixed American, 0.012%; no homozygotes.

Submission:

Women's Health and Genetics/Laboratory Corporation of America, LabCorp
Classification: Uncertain significance. Last evaluated: 2023-10-26. Review status: criteria provided, single submitter. Criteria: LabCorp Variant Classification Summary - May 2015. Collection method: clinical testing. Allele origin: germline.
Comment: Variant summary: PDE3A c.1801C>T (p.Pro601Ser) results in a non-conservative amino acid change in the encoded protein sequence. Four of five in-silico tools predict a benign effect of the variant on protein function. The variant allele was found at a frequency of 3.6e-05 in 248766 control chromosomes (gnomAD). The available data on variant occurrences in the general population are insufficient to allow any conclusion about variant significance. To our knowledge, no occurrence of c.1801C>T in individuals affected with Brachydactyly-Arterial Hypertension Syndrome and no experimental evidence demonstrating its impact on protein function have been reported. No submitters have cited clinical-significance assessments for this variant to ClinVar after 2014. Based on the evidence outlined above, the variant was classified as uncertain significance.